The following is an entry in ClinVar:

ClinVar aggregate classification (germline): Uncertain significance. Review status: criteria provided, multiple submitters, no conflicts (2 of 4 stars). 2 submissions from 2 submitters: Uncertain significance (2). Last evaluated 2026-09-10.

Conditions:
Cardiovascular phenotype. Identifiers: MedGen CN230736.
Hereditary cancer-predisposing syndrome. Also called: Tumor predisposition; Hereditary Cancer Syndrome; Hereditary neoplastic syndrome; Neoplastic Syndromes, Hereditary. Identifiers: Orphanet 140162, MedGen C0027672, MeSH D009386, MONDO:0015356.
Neurofibromatosis, type 1 (NF1). Also called: VON RECKLINGHAUSEN DISEASE; Peripheral type neurofibromatosis; Neurofibromatosis, type I; NEUROFIBROMATOSIS, TYPE I, SOMATIC. Identifiers: Orphanet 636, MedGen C0027831, MONDO:0018975, OMIM 162200. Disease mechanism: loss of function.

Allele frequency attached by ClinVar (database versions not stated): gnomAD exomes below 0.00001.
gnomAD v4.1: 1 of 1,613,176 alleles (0.000062%); highest among the groups gnomAD compares: Non-Finnish European, 0.000085%; no homozygotes.

Submissions (2):

Ambry Genetics
Classification: Uncertain significance for Cardiovascular phenotype; Hereditary cancer-predisposing syndrome. Last evaluated: 2026-09-10. Review status: criteria provided, single submitter. Criteria: Ambry Variant Classification Scheme 2023. Collection method: clinical testing. Allele origin: germline.
Comment: The p.G1293D variant (also known as c.3878G>A), located in coding exon 29 of the NF1 gene, results from a G to A substitution at nucleotide position 3878. The glycine at codon 1293 is replaced by aspartic acid, an amino acid with similar properties. This amino acid position is highly conserved in available vertebrate species. In addition, this alteration is predicted to be deleterious by in silico analysis. Based on the available evidence, the clinical significance of this variant remains unclear.

Labcorp Genetics (formerly Invitae), Labcorp
Classification: Uncertain significance for Neurofibromatosis, type 1. Last evaluated: 2023-12-12. Review status: criteria provided, single submitter. Criteria: Invitae Variant Classification Sherloc (09022015). Collection method: clinical testing. Allele origin: germline.
Comment: This sequence change replaces glycine, which is neutral and non-polar, with aspartic acid, which is acidic and polar, at codon 1293 of the NF1 protein (p.Gly1293Asp). This variant is not present in population databases (gnomAD no frequency). This variant has not been reported in the literature in individuals affected with NF1-related conditions. ClinVar contains an entry for this variant (Variation ID: 1023305). Advanced modeling of protein sequence and biophysical properties (such as structural, functional, and spatial information, amino acid conservation, physicochemical variation, residue mobility, and thermodynamic stability) performed at Invitae indicates that this missense variant is expected to disrupt NF1 protein function with a positive predictive value of 95%. In summary, the available evidence is currently insufficient to determine the role of this variant in disease. Therefore, it has been classified as a Variant of Uncertain Significance.

NM_001042492.3(NF1):c.3878G>A (p.Gly1293Asp)

Gene: NF1 (neurofibromin 1; plus strand). Cytogenetic location: 17q11.2.
Variant type: single nucleotide variant.
Coding change: c.3878G>A on transcript NM_001042492.3 (MANE Select); coding-DNA position 3878, G replaced by A.
Protein change: p.Gly1293Asp; replaces glycine 1293 with aspartic acid.
Molecular consequence: missense variant.
Genome position (GRCh38, 1-based): chr17:31,235,925, G>A. VCF-style: chr17-31235925-G-A. GRCh37 (hg19) VCF-style: chr17-29562943-G-A.
Other names: c.3878G>A, p.Gly1293Asp (NM_000267.4); short protein forms G1293D.
Identifiers: ClinVar variation 1023305 (VCV001023305.8), dbSNP rs2067193448, ClinGen allele CA398993007.
Genomic context (GRCh38, chr17:31,235,925, plus strand): 5'-AGGTAAAATATATGGAGCAGGTATAATAAACTCCTATTCGTGCATTTCTGTAGGTATATG[G>A]TGCTACCTATCTACAAAAACTCCTGGATCCTTTATTACGAATTGTGATCACATCCTCTGA-3'
Protein context (NP_001035957.1, residues 1283-1303): KIMTFCFKVY[Gly1293Asp]ATYLQKLLDP